The following is an entry in ClinVar:

NM_033026.6(PCLO):c.6745C>G (p.Arg2249Gly)

Gene: PCLO (piccolo presynaptic cytomatrix protein; minus strand). Cytogenetic location: 7q21.11.
Variant type: single nucleotide variant.
Coding change: c.6745C>G on transcript NM_033026.6 (MANE Select); coding-DNA position 6745, C replaced by G.
Protein change: p.Arg2249Gly; replaces arginine 2249 with glycine.
Molecular consequence: missense variant.
Genome position (GRCh38, 1-based): chr7:82,954,208, G>C on the plus strand (C>G on the coding strand, the complement: PCLO is on the minus strand). VCF-style: chr7-82954208-G-C. GRCh37 (hg19) VCF-style: chr7-82583524-G-C.
Other names: c.6745C>G, p.Arg2249Gly (NM_014510.3); short protein forms R2249G.
Identifiers: ClinVar variation 2111688 (VCV002111688.4), dbSNP rs768741000, ClinGen allele CA367918435.
Genomic context (GRCh38, chr7:82,954,208, plus strand): 5'-TATCAGATAAGGAAATAACAATATGATCAGCACTAGCTCTACCATCTGGTGGGGCAGTCC[G>C]ATCTAAAGATACACTTATTTCTTCTGGATAGTCTATAATGCTGCCTGGAAAATAAGTTGA-3'
Protein context (NP_149015.2, residues 2239-2259): YPEEISVSLD[Arg2249Gly]TAPPDGRASA

ClinVar aggregate classification (germline): Uncertain significance (1 of 4 stars; one submission).

Submission:

Labcorp Genetics (formerly Invitae), Labcorp
Classification: Uncertain significance. Last evaluated: 2022-09-04. Review status: criteria provided, single submitter. Criteria: Invitae Variant Classification Sherloc (09022015). Collection method: clinical testing. Allele origin: germline.
Comment: Algorithms developed to predict the effect of missense changes on protein structure and function are either unavailable or do not agree on the potential impact of this missense change (SIFT: "Tolerated"; PolyPhen-2: "Not Available"; Align-GVGD: "Class C0"). This variant has not been reported in the literature in individuals affected with PCLO-related conditions. This variant is not present in population databases (gnomAD no frequency). This sequence change replaces arginine, which is basic and polar, with glycine, which is neutral and non-polar, at codon 2249 of the PCLO protein (p.Arg2249Gly). In summary, the available evidence is currently insufficient to determine the role of this variant in disease. Therefore, it has been classified as a Variant of Uncertain Significance.